The following is an entry in ClinVar:

NM_001267550.2(TTN):c.80218del (p.Thr26740fs)

Genes: TTN (titin; minus strand), TTN-AS1 (TTN antisense RNA 1; plus strand). Cytogenetic location: 2q31.2.
Variant type: Deletion.
Coding change: c.80218del on transcript NM_001267550.2 (MANE Select); coding-DNA position 80218, one base deleted (A; older notation c.80218delA).
Protein change: p.Thr26740fs; shifts the reading frame from threonine 26740.
Molecular consequence: frameshift variant.
Genome position (GRCh38, 1-based): chr2:178,565,914, T deleted on the plus strand (A on the coding strand, the reverse complement: TTN is on the minus strand); the first of 4 consecutive T bases (chr2:178,565,914-178,565,917); deleting any one gives the same sequence. VCF-style (leftmost placement, unchanged base first): chr2-178565913-GT-G. GRCh37 (hg19) VCF-style: chr2-179430640-GT-G.
Other names: c.75295del, p.Thr25099fs (NM_001256850.1); c.53023del, p.Thr17675fs (NM_003319.4); c.72514del, p.Thr24172fs (NM_133378.4); c.53398del, p.Thr17800fs (NM_133432.3); c.53599del, p.Thr17867fs (NM_133437.4); short protein forms T25099fs, T24172fs, T26740fs, T17800fs, T17867fs, T17675fs.
Identifiers: ClinVar variation 2948782 (VCV002948782.3), dbSNP rs2468265565, ClinGen allele CA2740095919.

ClinVar aggregate classification (germline): Likely pathogenic (1 of 4 stars; one submission).

Conditions:
Dilated cardiomyopathy 1G (CMD1G). Identifiers: Orphanet 154, MedGen C1858763, MONDO:0011400, OMIM 604145.
Autosomal recessive limb-girdle muscular dystrophy type 2J (LGMDR10). Also called: Limb-girdle muscular dystrophy, type 2J; MUSCULAR DYSTROPHY, LIMB-GIRDLE, AUTOSOMAL RECESSIVE 10. Identifiers: Orphanet 140922, MedGen C1837342, MONDO:0012127, OMIM 608807.

Submission:

Labcorp Genetics (formerly Invitae), Labcorp
Classification: Likely pathogenic for Dilated cardiomyopathy 1G; Autosomal recessive limb-girdle muscular dystrophy type 2J. Last evaluated: 2023-06-12. Review status: criteria provided, single submitter. Criteria: Invitae Variant Classification Sherloc (09022015). Collection method: clinical testing. Allele origin: germline.
Comment: This variant is not present in population databases (gnomAD no frequency). This sequence change creates a premature translational stop signal (p.Thr26740Glnfs*36) in the TTN gene. While this is not anticipated to result in nonsense mediated decay, it is expected to create a truncated TTN protein. In summary, the currently available evidence indicates that the variant is pathogenic, but additional data are needed to prove that conclusively. Therefore, this variant has been classified as Likely Pathogenic. This variant is located in the A band of TTN (PMID: 25589632). Truncating variants in this region are significantly overrepresented in patients affected with dilated cardiomyopathy (PMID: 25589632). Truncating variants in this region have also been reported in individuals affected with autosomal recessive centronuclear myopathy (PMID: 23975875). This variant has not been reported in the literature in individuals affected with TTN-related conditions.

Literature cited by the submitters: PubMed 25589632; PubMed 23975875.